The following is an entry in ClinVar:

ClinVar aggregate classification (germline): Uncertain significance (1 of 4 stars; one submission).

Submission:

Labcorp Genetics (formerly Invitae), Labcorp
Classification: Uncertain significance. Last evaluated: 2026-01-14. Review status: criteria provided, single submitter. Criteria: Invitae Variant Classification Sherloc (09022015). Collection method: clinical testing. Allele origin: germline.
Comment: This sequence change replaces alanine, which is neutral and non-polar, with proline, which is neutral and non-polar, at codon 3154 of the HSPG2 protein (p.Ala3154Pro). This variant is not present in population databases (gnomAD no frequency). This variant has not been reported in the literature in individuals affected with HSPG2-related conditions. An algorithm developed to predict the effect of missense changes on protein structure and function (PolyPhen-2) suggests that this variant is likely to be tolerated. In summary, the available evidence is currently insufficient to determine the role of this variant in disease. Therefore, it has been classified as a Variant of Uncertain Significance.

NM_005529.7(HSPG2):c.9460G>C (p.Ala3154Pro)

Gene: HSPG2 (heparan sulfate proteoglycan 2; minus strand). Cytogenetic location: 1p36.12.
Variant type: single nucleotide variant.
Coding change: c.9460G>C on transcript NM_005529.7 (MANE Select); coding-DNA position 9460, G replaced by C.
Protein change: p.Ala3154Pro; replaces alanine 3154 with proline.
Molecular consequence: missense variant.
Genome position (GRCh38, 1-based): chr1:21,841,154, C>G on the plus strand (G>C on the coding strand, the complement: HSPG2 is on the minus strand). VCF-style: chr1-21841154-C-G. GRCh37 (hg19) VCF-style: chr1-22167647-C-G.
Other names: c.9463G>C, p.Ala3155Pro (NM_001291860.2); short protein forms A3155P, A3154P.
Identifiers: ClinVar variation 4737746 (VCV004737746.1).